The following is an entry in ClinVar:

ClinVar aggregate classification (germline): Uncertain significance (1 of 4 stars; one submission).

Submission:

Labcorp Genetics (formerly Invitae), Labcorp
Classification: Uncertain significance. Last evaluated: 2022-05-31. Review status: criteria provided, single submitter. Criteria: Invitae Variant Classification Sherloc (09022015). Collection method: clinical testing. Allele origin: germline.
Comment: In summary, the available evidence is currently insufficient to determine the role of this variant in disease. Therefore, it has been classified as a Variant of Uncertain Significance. Variants that disrupt the consensus splice site are a relatively common cause of aberrant splicing (PMID: 17576681, 9536098). Algorithms developed to predict the effect of sequence changes on RNA splicing suggest that this variant may disrupt the consensus splice site. This variant has been observed in individual(s) with clinical features of Alport syndrome (Invitae). This variant is not present in population databases (gnomAD no frequency). This sequence change falls in intron 21 of the COL4A5 gene. It does not directly change the encoded amino acid sequence of the COL4A5 protein. It affects a nucleotide within the consensus splice site.

Literature cited by the submitters: PubMed 17576681; PubMed 9536098.

NM_033380.3(COL4A5):c.1424-3T>G

Gene: COL4A5 (collagen type IV alpha 5 chain; plus strand). Cytogenetic location: Xq22.3.
Variant type: single nucleotide variant.
Coding change: c.1424-3T>G on transcript NM_033380.3 (MANE Select); 3 bases into the intron before coding-DNA position 1424, T replaced by G.
Molecular consequence: intron variant.
Genome position (GRCh38, 1-based): chrX:108,595,506, T>G. VCF-style: chrX-108595506-T-G. GRCh37 (hg19) VCF-style: chrX-107838736-T-G.
Other names: c.1424-3T>G (NM_000495.5).
Identifiers: ClinVar variation 2001414 (VCV002001414.4), dbSNP rs2524298929, ClinGen allele CA2580100149.